The following is an entry in ClinVar:

NM_001379110.1(SLC9A6):c.-16C>T

Gene: SLC9A6 (solute carrier family 9 member A6; plus strand). Cytogenetic location: Xq26.3.
Variant type: single nucleotide variant.
Coding change: c.-16C>T on transcript NM_001379110.1 (MANE Select); 16 bases upstream of the start codon, C replaced by T.
Molecular consequence: 5 prime UTR variant. On other transcripts: synonymous variant (2).
Genome position (GRCh38, 1-based): chrX:135,985,643, C>T. VCF-style: chrX-135985643-C-T. GRCh37 (hg19) VCF-style: chrX-135067802-C-T.
Other names: p.G47G:GGC>GGT; NM_006359.3(SLC9A6):c.141C>T; p.Gly47=; c.141C>T, p.Gly47= (NM_001042537.2, NM_006359.3); c.-16C>T (NM_001177651.2, NM_001330652.2).
Identifiers: ClinVar variation 139211 (VCV000139211.16), dbSNP rs139299794, ClinGen allele CA293620.

ClinVar aggregate classification (germline): Likely benign. Review status: reviewed by expert panel (3 of 4 stars). 4 submissions from 4 submitters: Likely benign (1). 3 of the submissions do not count toward it. Last evaluated 2022-02-19.

Conditions:
Christianson syndrome (MRXSCH). Also called: SLC9A6-Related Syndromic Mental Retardation; X-linked mental retardation, syndromic, Christianson type; INTELLECTUAL DEVELOPMENTAL DISORDER, X-LINKED, SYNDROMIC, CHRISTIANSON TYPE. Identifiers: Orphanet 85278, MedGen C2678194, MONDO:0010278, OMIM 300243.

Allele frequency attached by ClinVar (database versions not stated): gnomAD 0.00003; gnomAD exomes 0.00003 and 0.00022; ExAC 0.00005; TOPMed 0.00005; ESP Exome Variant Server 0.00009.
gnomAD v4.1: 234 of 1,209,662 alleles (0.019%); highest among the groups gnomAD compares: Non-Finnish European, 0.026%; no homozygotes.

Submissions (4):

ClinGen Rett and Angelman-like Disorders Variant Curation Expert Panel
Classification: Likely benign for Christianson syndrome. Last evaluated: 2022-02-19. Review status: reviewed by expert panel. Criteria: ClinGen RettAS ACMG Specifications V2. Collection method: curation. Allele origin: germline. Inheritance: X-linked inheritance.
Comment: The allele frequency of the p.Gly47= variant in SLC9A6 is 0.008% in European (Non-Finnish) sub population in gnomAD, which is high enough to meet the BS1 criteria based on thresholds defined by the ClinGen Rett/Angelman-like Expert Panel for Rett/AS-like conditions (BS1). The silent p.Gly47= variant is not predicted to affect splicing using multiple computational tools and does not affect a highly conserved nucleotide (BP7). In summary, the p.Gly47= variant in SLC9A6 is classified as likely benign based on the ACMG/AMP criteria (BS1, BP7).

Labcorp Genetics (formerly Invitae), Labcorp
Classification: Likely benign for Christianson syndrome. Last evaluated: 2026-01-17. Review status: criteria provided, single submitter. Criteria: Invitae Variant Classification Sherloc (09022015). Collection method: clinical testing. Allele origin: germline. Not counted in ClinVar's aggregate classification.

Eurofins Ntd Llc (ga)
Classification: Uncertain significance. Last evaluated: 2014-12-18. Review status: criteria provided, single submitter. Criteria: EGL Classification Definitions 2015. Collection method: clinical testing. Allele origin: germline. Observed: 1 variant allele, 1 heterozygote. Not counted in ClinVar's aggregate classification.

GeneDx
Classification: Benign. Last evaluated: 2014-05-07. Review status: criteria provided, single submitter. Criteria: GeneDx Variant Classification (06012015). Collection method: clinical testing. Allele origin: germline. Affected: yes. Not counted in ClinVar's aggregate classification.
Comment: This variant is considered likely benign or benign based on one or more of the following criteria: it is a conservative change, it occurs at a poorly conserved position in the protein, it is predicted to be benign by multiple in silico algorithms, and/or has population frequency not consistent with disease.